The following is an entry in ClinVar:

ClinVar aggregate classification (germline): Uncertain significance (1 of 4 stars; one submission).

gnomAD v4.1: 8 of 1,613,148 alleles (0.0005%); highest among the groups gnomAD compares: South Asian, 0.0022%; no homozygotes.

Submission:

Labcorp Genetics (formerly Invitae), Labcorp
Classification: Uncertain significance. Last evaluated: 2024-08-13. Review status: criteria provided, single submitter. Criteria: Invitae Variant Classification Sherloc (09022015). Collection method: clinical testing. Allele origin: germline.
Comment: This sequence change replaces valine, which is neutral and non-polar, with methionine, which is neutral and non-polar, at codon 84 of the CLCN6 protein (p.Val84Met). This variant is not present in population databases (gnomAD no frequency). This variant has not been reported in the literature in individuals affected with CLCN6-related conditions. An algorithm developed to predict the effect of missense changes on protein structure and function (PolyPhen-2) suggests that this variant is likely to be tolerated. In summary, the available evidence is currently insufficient to determine the role of this variant in disease. Therefore, it has been classified as a Variant of Uncertain Significance.

NM_001286.5(CLCN6):c.250G>A (p.Val84Met)

Gene: CLCN6 (chloride voltage-gated channel 6; plus strand). Cytogenetic location: 1p36.22.
Variant type: single nucleotide variant.
Coding change: c.250G>A on transcript NM_001286.5 (MANE Select); coding-DNA position 250, G replaced by A.
Protein change: p.Val84Met; replaces valine 84 with methionine.
Molecular consequence: missense variant. On other transcripts: non-coding transcript variant (1).
Genome position (GRCh38, 1-based): chr1:11,816,651, G>A. VCF-style: chr1-11816651-G-A. GRCh37 (hg19) VCF-style: chr1-11876708-G-A.
Other names: c.184G>A, p.Val62Met (NM_001256959.2); short protein forms V62M, V84M.
Identifiers: ClinVar variation 3662235 (VCV003662235.2).